The following is an entry in ClinVar:

ClinVar aggregate classification (germline): Uncertain significance (1 of 4 stars; one submission).

Conditions:
Familial hemiplegic migraine. Identifiers: MedGen C0338484, MONDO:0000700.

Submission:

Labcorp Genetics (formerly Invitae), Labcorp
Classification: Uncertain significance for Familial hemiplegic migraine. Last evaluated: 2025-09-08. Review status: criteria provided, single submitter. Criteria: Invitae Variant Classification Sherloc (09022015). Collection method: clinical testing. Allele origin: germline.
Comment: This sequence change replaces phenylalanine, which is neutral and non-polar, with valine, which is neutral and non-polar, at codon 480 of the ATP1A2 protein (p.Phe480Val). This variant is not present in population databases (gnomAD no frequency). This variant has not been reported in the literature in individuals affected with ATP1A2-related conditions. ClinVar contains an entry for this variant (Variation ID: 2709810). Invitae Evidence Modeling of protein sequence and biophysical properties (such as structural, functional, and spatial information, amino acid conservation, physicochemical variation, residue mobility, and thermodynamic stability) indicates that this missense variant is expected to disrupt ATP1A2 protein function with a positive predictive value of 80%. In summary, the available evidence is currently insufficient to determine the role of this variant in disease. Therefore, it has been classified as a Variant of Uncertain Significance.

NM_000702.4(ATP1A2):c.1438T>G (p.Phe480Val)

Gene: ATP1A2 (ATPase Na+/K+ transporting subunit alpha 2; plus strand). Cytogenetic location: 1q23.2.
Variant type: single nucleotide variant.
Coding change: c.1438T>G on transcript NM_000702.4 (MANE Select); coding-DNA position 1438, T replaced by G.
Protein change: p.Phe480Val; replaces phenylalanine 480 with valine.
Molecular consequence: missense variant.
Genome position (GRCh38, 1-based): chr1:160,129,377, T>G. VCF-style: chr1-160129377-T-G. GRCh37 (hg19) VCF-style: chr1-160099167-T-G.
Other names: short protein forms F480V.
Identifiers: ClinVar variation 2709810 (VCV002709810.3), dbSNP rs2524870051, ClinGen allele CA343242337.